The following is an entry in ClinVar:

NM_002878.4(RAD51D):c.357_360del (p.Cys119fs)

Genes: RAD51D (RAD51 paralog D; minus strand), RAD51L3-RFFL (RAD51L3-RFFL readthrough; minus strand). Cytogenetic location: 17q12.
Variant type: Deletion.
Coding change: c.357_360del on transcript NM_002878.4 (MANE Select); coding-DNA positions 357 to 360, 4 bases deleted (TATG; older notation c.357_360delTATG).
Protein change: p.Cys119fs; shifts the reading frame from cysteine 119.
Molecular consequence: frameshift variant. On other transcripts: non-coding transcript variant (1), intron variant (1).
Genome position (GRCh38, 1-based): chr17:35,107,108-35,107,111, CATA deleted on the plus strand (TATG on the coding strand, the reverse complement: RAD51D is on the minus strand); deleting any 4 consecutive bases within chr17:35,107,108-35,107,113 gives the same sequence; the c. name uses the placement nearest the transcript's 3' end. VCF-style (leftmost placement, unchanged base first): chr17-35107107-CCATA-C. GRCh37 (hg19) VCF-style: chr17-33434126-CCATA-C.
Other names: c.417_420del, p.Cys139fs (NM_001142571.2); c.145-630_145-627del (NM_133629.3); c.357_360delTATG (NM_002878.3); short protein forms C139fs.
Identifiers: ClinVar variation 229953 (VCV000229953.59), dbSNP rs876658297, ClinGen allele CA10580461.

ClinVar aggregate classification (germline): Pathogenic. Review status: criteria provided, multiple submitters, no conflicts (2 of 4 stars). 8 submissions from 8 submitters: Pathogenic (7). 1 of the submissions does not count toward it. Last evaluated 2026-04-01.

Conditions:
Hereditary cancer-predisposing syndrome. Also called: Neoplastic Syndromes, Hereditary; Hereditary Cancer Syndrome; Tumor predisposition; Hereditary neoplastic syndrome. Identifiers: Orphanet 140162, MedGen C0027672, MeSH D009386, MONDO:0015356.
Breast-ovarian cancer, familial, susceptibility to, 4. Identifiers: Orphanet 145, MedGen C3280345, MONDO:0013669, OMIM 614291.
Ovarian neoplasm. Also called: Ovarian tumor; Neoplasm of ovary; Ovarian Neoplasms. Identifiers: MedGen C0919267, MeSH D010051, MONDO:0021068, HP:0100615.

Submissions (8):

CeGaT Center for Human Genetics Tuebingen
Classification: Pathogenic. Last evaluated: 2026-04-01. Review status: criteria provided, single submitter. Criteria: CeGaT Center For Human Genetics Tuebingen Variant Classification Criteria Version 2. Collection method: clinical testing. Allele origin: germline. Affected: yes. Observed: 2 variant alleles.
Comment: RAD51D: PVS1, PM2, PS4:Moderate

Labcorp Genetics (formerly Invitae), Labcorp
Classification: Pathogenic for Breast-ovarian cancer, familial, susceptibility to, 4. Last evaluated: 2025-01-14. Review status: criteria provided, single submitter. Criteria: Invitae Variant Classification Sherloc (09022015). Collection method: clinical testing. Allele origin: germline.
Comment: This sequence change creates a premature translational stop signal (p.Cys119Trpfs*16) in the RAD51D gene. It is expected to result in an absent or disrupted protein product. Loss-of-function variants in RAD51D are known to be pathogenic (PMID: 21822267). This variant is not present in population databases (gnomAD no frequency). This premature translational stop signal has been observed in individual(s) with breast cancer (PMID: 26822949). This variant is also known as c.355_358delTGTA. ClinVar contains an entry for this variant (Variation ID: 229953). For these reasons, this variant has been classified as Pathogenic.

Myriad Genetics, Inc.
Classification: Pathogenic for Breast-ovarian cancer, familial, susceptibility to, 4. Last evaluated: 2024-01-04. Review status: criteria provided, single submitter. Criteria: Myriad Autosomal Dominant, Autosomal Recessive and X-Linked Classification Criteria (2023). Collection method: clinical testing. Allele origin: unknown.
Comment: This variant is considered pathogenic. This variant creates a frameshift predicted to result in premature protein truncation.

Ambry Genetics
Classification: Pathogenic for Hereditary cancer-predisposing syndrome. Last evaluated: 2023-12-04. Review status: criteria provided, single submitter. Criteria: Ambry Variant Classification Scheme 2023. Collection method: clinical testing. Allele origin: germline.
Comment: The c.357_360delTATG pathogenic mutation, located in coding exon 5 of the RAD51D gene, results from a deletion of 4 nucleotides at nucleotide positions 357 to 360, causing a translational frameshift with a predicted alternate stop codon (p.C119Wfs*16). This alteration was identified in individuals from both breast and ovarian cancer cohorts (Harter P et al. PLoS ONE. 2017 Oct;12:e0186043; Lhota F et al. Clin. Genet. 2016 10;90(4):324-33). Of note, this alteration is also designated c.355_357delTGTA in the published literature. In addition to the clinical data presented in the literature, this alteration is expected to result in loss of function by premature protein truncation or nonsense-mediated mRNA decay. As such, this alteration is interpreted as a disease-causing mutation.

Institute of Human Genetics, FAU Erlangen, Friedrich-Alexander-Universität Erlangen-Nürnberg
Classification: Pathogenic. Last evaluated: 2023-09-19. Review status: criteria provided, single submitter. Criteria: Hauer et al. (Genet Med. 2018). Collection method: clinical testing. Allele origin: germline. Inheritance: Unknown mechanism. Affected: yes. Observed: 1 variant allele.
Comment: This variant has been identified by standard clinical testing. Selected ACMG criteria: Pathogenic (I):PP5;PM2;PVS1

Color Diagnostics, LLC DBA Color Health
Classification: Pathogenic for Hereditary cancer-predisposing syndrome. Last evaluated: 2022-08-01. Review status: criteria provided, single submitter. Criteria: ACMG Guidelines, 2015. Collection method: clinical testing. Allele origin: germline.
Comment: This variant deletes 4 nucleotides in exon 5 of the RAD51D gene, creating a frameshift and premature translation stop signal. This variant is expected to result in an absent or non-functional protein product. This variant has been reported in an individual affected with breast cancer (PMID: 26822949) and in an individual affected with ovarian cancer (PMID: 29053726). This variant has not been identified in the general population by the Genome Aggregation Database (gnomAD). Loss of RAD51D function is a known mechanism of disease. Based on the available evidence, this variant is classified as Pathogenic.

Baylor Genetics
Classification: Pathogenic for Breast-ovarian cancer, familial, susceptibility to, 4. Last evaluated: 2021-09-16. Review status: criteria provided, single submitter. Criteria: ACMG Guidelines, 2015. Collection method: clinical testing. Allele origin: unknown.

German Consortium for Hereditary Breast and Ovarian Cancer, University Hospital Cologne
Classification: Pathogenic for Ovarian neoplasm. Last evaluated: 2018-12-01. Review status: no assertion criteria provided. Collection method: research. Allele origin: germline. Affected: yes. Not counted in ClinVar's aggregate classification.

Literature cited by the submitters: PubMed 21822267 (cited by Labcorp Genetics (formerly Invitae), Labcorp); PubMed 26822949 (cited by Labcorp Genetics (formerly Invitae), Labcorp and Color Diagnostics, LLC DBA Color Health); PubMed 29053726 (cited by Ambry Genetics and Color Diagnostics, LLC DBA Color Health).